The following is an entry in ClinVar:

ClinVar aggregate classification (germline): Conflicting classifications of pathogenicity. Review status: criteria provided, conflicting classifications (1 of 4 stars). 3 submissions from 3 submitters: Uncertain significance (2); Likely benign (1). Last evaluated 2025-11-17.

Conditions:
Hereditary cancer-predisposing syndrome. Also called: Hereditary neoplastic syndrome; Neoplastic Syndromes, Hereditary; Hereditary Cancer Syndrome; Tumor predisposition. Identifiers: Orphanet 140162, MedGen C0027672, MeSH D009386, MONDO:0015356.
Hereditary breast ovarian cancer syndrome. Also called: BRCA1- and BRCA2-Associated Hereditary Breast and Ovarian Cancer; Hereditary breast and ovarian cancer syndrome (HBOC); Hereditary breast and/or ovarian cancer syndrome; Hereditary breast and ovarian cancer syndrome; Hereditary breast and ovarian cancer; Breast and ovarian cancer. Identifiers: Orphanet 145, MedGen C0677776, MeSH D061325, MONDO:0003582. Disease mechanism: loss of function.

gnomAD v4.1: 1 of 1,590,902 alleles (0.000063%); highest among the groups gnomAD compares: Non-Finnish European, 0.000085%; no homozygotes.

Submissions (3):

Labcorp Genetics (formerly Invitae), Labcorp
Classification: Uncertain significance for Hereditary breast ovarian cancer syndrome. Last evaluated: 2025-11-17. Review status: criteria provided, single submitter. Criteria: Invitae Variant Classification Sherloc (09022015). Collection method: clinical testing. Allele origin: germline.
Comment: This sequence change replaces cysteine, which is neutral and slightly polar, with phenylalanine, which is neutral and non-polar, at codon 315 of the BRCA2 protein (p.Cys315Phe). This variant is not present in population databases (gnomAD no frequency). This variant has not been reported in the literature in individuals affected with BRCA2-related conditions. ClinVar contains an entry for this variant (Variation ID: 1719482). Invitae Evidence Modeling of protein sequence and biophysical properties (such as structural, functional, and spatial information, amino acid conservation, physicochemical variation, residue mobility, and thermodynamic stability) indicates that this missense variant is not expected to disrupt BRCA2 protein function with a negative predictive value of 95%. In summary, the available evidence is currently insufficient to determine the role of this variant in disease. Therefore, it has been classified as a Variant of Uncertain Significance.

Ambry Genetics
Classification: Uncertain significance for Hereditary cancer-predisposing syndrome. Last evaluated: 2025-08-10. Review status: criteria provided, single submitter. Criteria: Ambry Variant Classification Scheme 2023. Collection method: clinical testing. Allele origin: germline.
Comment: The p.C315F variant (also known as c.944G>T), located in coding exon 9 of the BRCA2 gene, results from a G to T substitution at nucleotide position 944. The cysteine at codon 315 is replaced by phenylalanine, an amino acid with highly dissimilar properties. This amino acid position is conserved. In addition, this alteration is predicted to be tolerated by in silico analysis. Based on the available evidence, the clinical significance of this variant remains unclear.

University of Washington Department of Laboratory Medicine, University of Washington
Classification: Likely benign for Hereditary cancer-predisposing syndrome. Last evaluated: 2023-03-23. Review status: criteria provided, single submitter. Criteria: Dines et al. (Genet Med. 2020). Collection method: curation. Allele origin: germline.
Comment: Missense variant in a coldspot region where missense variants are very unlikely to be pathogenic (PMID:31911673).

BRCA2 exon 10 coldspot. Reclassification based on statistical prior probability.

NM_000059.4(BRCA2):c.944G>T (p.Cys315Phe)

Gene: BRCA2 (BRCA2 DNA repair associated; plus strand). Cytogenetic location: 13q13.1.
Variant type: single nucleotide variant.
Coding change: c.944G>T on transcript NM_000059.4 (MANE Select); coding-DNA position 944, G replaced by T.
Protein change: p.Cys315Phe; replaces cysteine 315 with phenylalanine.
Molecular consequence: missense variant.
Genome position (GRCh38, 1-based): chr13:32,332,422, G>T. VCF-style: chr13-32332422-G-T. GRCh37 (hg19) VCF-style: chr13-32906559-G-T.
Other names: c.944G>T, p.Cys315Phe (NM_001406719.1, NM_001406720.1, NM_001406721.1); short protein forms C315F.
Identifiers: ClinVar variation 1719482 (VCV001719482.8), dbSNP rs2072400977, ClinGen allele CA387760823.